The following is an entry in ClinVar:

ClinVar aggregate classification (germline): Pathogenic (1 of 4 stars; one submission).

Conditions:
Breast-ovarian cancer, familial, susceptibility to, 1 (BROVCA1). Also called: BRCA1 Hereditary Breast and Ovarian Cancer; OVARIAN CANCER, SUSCEPTIBILITY TO. Identifiers: Orphanet 145, MedGen C2676676, MONDO:0011450, OMIM 604370. Disease mechanism: loss of function.

Submission:

Myriad Genetics, Inc.
Classification: Pathogenic for Breast-ovarian cancer, familial, susceptibility to, 1. Last evaluated: 2023-04-17. Review status: criteria provided, single submitter. Criteria: Myriad Autosomal Dominant, Autosomal Recessive and X-Linked Classification Criteria (2023). Collection method: clinical testing. Allele origin: unknown.
Comment: This variant is considered pathogenic. This variant creates a frameshift predicted to result in premature protein truncation.

NM_007294.4(BRCA1):c.60_61dup (p.Ile21fs)

Gene: BRCA1 (BRCA1 DNA repair associated; minus strand). Cytogenetic location: 17q21.31.
Variant type: Duplication.
Coding change: c.60_61dup on transcript NM_007294.4 (MANE Select); coding-DNA positions 60 to 61, 2 bases duplicated (AA; older notation c.60_61dupAA).
Protein change: p.Ile21fs; shifts the reading frame from isoleucine 21.
Molecular consequence: frameshift variant. On other transcripts: 5 prime UTR variant (136), intron variant (36).
Genome position (GRCh38, 1-based): chr17:43,124,036-43,124,037, TT duplicated on the plus strand (AA on the coding strand, the reverse complement: BRCA1 is on the minus strand); duplicating any 2 consecutive bases within chr17:43,124,036-43,124,039 gives the same sequence; the c. name uses the placement nearest the transcript's 3' end. VCF-style (leftmost placement, unchanged base first): chr17-43124035-A-ATT. GRCh37 (hg19) VCF-style: chr17-41276052-A-ATT.
Other names: c.60_61dup, p.Ile21fs (NM_001407636.1, NM_001407637.1, NM_001407638.1 and 192 more transcripts); c.-129_-128dup (NM_001407571.1, NM_001408478.1, NM_001408479.1 and 46 more transcripts); c.-198_-197dup (NM_001407694.1, NM_001408455.1, NM_001408456.1 and 11 more transcripts); c.-28_-27dup (NM_001408454.1, NM_001408459.1, NM_001408460.1 and 23 more transcripts); c.-201_-200dup (NM_001408462.1, NM_001408463.1, NM_001408466.1 and 22 more transcripts); c.-202_-201dup (NM_001408465.1, NM_001407695.1); c.-343_-342dup (NM_001407696.1); c.-227_-226dup (NM_001407697.1, NM_001407846.1, NM_001407920.1); and 24 more; short protein forms I21fs.
Identifiers: ClinVar variation 2573277 (VCV002573277.1), dbSNP rs273902778, ClinGen allele CA2580612635.